The following is an entry in ClinVar:

NM_001351132.2(PEX5):c.674_695dup (p.Ser235fs)

Gene: PEX5 (peroxisomal biogenesis factor 5; plus strand). Cytogenetic location: 12p13.31.
Variant type: Duplication.
Coding change: c.674_695dup on transcript NM_001351132.2 (MANE Select); coding-DNA positions 674 to 695, 22 bases duplicated (GGCAGGTGTCCCTGGAGTCCGG).
Protein change: p.Ser235fs; shifts the reading frame from serine 235.
Molecular consequence: frameshift variant. On other transcripts: intron variant (15).
Genome position (GRCh38, 1-based): chr12:7,202,272-7,202,293, GGCAGGTGTCCCTGGAGTCCGG duplicated; duplicating any 22 consecutive bases within chr12:7,202,271-7,202,293 gives the same sequence; the c. name uses the placement nearest the transcript's 3' end. VCF-style (leftmost placement, unchanged base first): chr12-7202270-A-AGGGCAGGTGTCCCTGGAGTCCG. GRCh37 (hg19) VCF-style: chr12-7354866-A-AGGGCAGGTGTCCCTGGAGTCCG.
Other names: c.719_740dupGGCAGGTGTCCCTGGAGTCCGG (NM_001131023.2); c.674_695dup, p.Ser235fs (NM_000319.5, NM_001131025.2, NM_001131026.2 and 6 more transcripts); c.719_740dup, p.Ser250fs (NM_001131023.2); c.643-340_643-319dup (NM_001351124.3, NM_001351126.2, NM_001374646.1 and 10 more transcripts); c.688-340_688-319dup (NM_001351135.3, NM_001351138.2); short protein forms S235fs, S250fs.
Identifiers: ClinVar variation 1180670 (VCV001180670.4), dbSNP rs2136151586, ClinGen allele CA2573053758.

ClinVar aggregate classification (germline): Pathogenic/Likely pathogenic. Review status: criteria provided, multiple submitters, no conflicts (2 of 4 stars). 2 submissions from 2 submitters: Pathogenic (1); Likely pathogenic (1). Last evaluated 2023-03-18.

Conditions:
Peroxisome biogenesis disorder 2B (PBD2B). Identifiers: Orphanet 44, MedGen C3550234, MONDO:0008736, OMIM 202370.
Abnormality of metabolism/homeostasis. Identifiers: MedGen C4021768, HP:0001939.

Submissions (2):

Labcorp Genetics (formerly Invitae), Labcorp
Classification: Pathogenic for Peroxisome biogenesis disorder 2B. Last evaluated: 2023-03-18. Review status: criteria provided, single submitter. Criteria: Invitae Variant Classification Sherloc (09022015). Collection method: clinical testing. Allele origin: germline.
Comment: For these reasons, this variant has been classified as Pathogenic. Algorithms developed to predict the effect of sequence changes on RNA splicing suggest that this variant may disrupt the consensus splice site. ClinVar contains an entry for this variant (Variation ID: 1180670). This variant has not been reported in the literature in individuals affected with PEX5-related conditions. This variant is not present in population databases (gnomAD no frequency). This sequence change creates a premature translational stop signal (p.Ser235Valfs*32) in the PEX5 gene. It is expected to result in an absent or disrupted protein product. Loss-of-function variants in PEX5 are known to be pathogenic (PMID: 18712838, 21031596).

Kariminejad - Najmabadi Pathology & Genetics Center
Classification: Likely pathogenic for Abnormality of metabolism/homeostasis. Last evaluated: 2021-07-10. Review status: criteria provided, single submitter. Criteria: ACMG Guidelines, 2015. Collection method: clinical testing. Allele origin: germline. Affected: yes.

Literature cited by the submitters: PubMed 18712838 (cited by Labcorp Genetics (formerly Invitae), Labcorp); PubMed 21031596 (cited by Labcorp Genetics (formerly Invitae), Labcorp).